The following is an entry in ClinVar:

ClinVar aggregate classification (germline): Uncertain significance (1 of 4 stars; one submission).

Conditions:
Familial adenomatous polyposis 1 (FAP1). Also called: FAMILIAL ADENOMATOUS POLYPOSIS 1, ATTENUATED; POLYPOSIS, ADENOMATOUS INTESTINAL. Identifiers: MedGen C2713442, MONDO:0021056, OMIM 175100. Disease mechanism: loss of function.

Allele frequency attached by ClinVar (database versions not stated): gnomAD below 0.00001 and 0.00003; 1000 Genomes Project 30x 0.00016; 1000 Genomes Project 0.00020.

Submission:

Labcorp Genetics (formerly Invitae), Labcorp
Classification: Uncertain significance for Familial adenomatous polyposis 1. Last evaluated: 2026-01-18. Review status: criteria provided, single submitter. Criteria: Invitae Variant Classification Sherloc (09022015). Collection method: clinical testing. Allele origin: germline.
Comment: This variant occurs in a non-coding region of the APC gene. It does not change the encoded amino acid sequence of the APC protein. This variant is not present in population databases (gnomAD no frequency). This variant has not been reported in the literature in individuals affected with APC-related conditions. ClinVar contains an entry for this variant (Variation ID: 653366). Experimental studies and prediction algorithms are not available or were not evaluated, and the functional significance of this variant is currently unknown. In summary, the available evidence is currently insufficient to determine the role of this variant in disease. Therefore, it has been classified as a Variant of Uncertain Significance.

NC_000005.10:g.112707359G>C

Gene: APC (APC regulator of Wnt signaling pathway; plus strand). Cytogenetic location: 5q22.2.
Variant type: single nucleotide variant.
Genome position: GRCh38 VCF-style: chr5-112707359-G-C. GRCh37 (hg19) VCF-style: chr5-112043056-G-C.
Identifiers: ClinVar variation 653366 (VCV000653366.11), dbSNP rs560366894, ClinGen allele CA124924547.